The following is an entry in ClinVar:

ClinVar aggregate classification (germline): Uncertain significance (1 of 4 stars; one submission).

Conditions:
Joubert syndrome 14 (JBTS14). Identifiers: MedGen C3280766, MONDO:0013745, OMIM 614424.

Allele frequency attached by ClinVar (database versions not stated): TOPMed below 0.00001.
gnomAD v4.1: 2 of 1,546,642 alleles (0.00013%); highest among the groups gnomAD compares: Non-Finnish European, 0.00017%; no homozygotes.

Submission:

Labcorp Genetics (formerly Invitae), Labcorp
Classification: Uncertain significance for Joubert syndrome 14. Last evaluated: 2022-10-07. Review status: criteria provided, single submitter. Criteria: Invitae Variant Classification Sherloc (09022015). Collection method: clinical testing. Allele origin: germline.
Comment: In summary, the available evidence is currently insufficient to determine the role of this variant in disease. Therefore, it has been classified as a Variant of Uncertain Significance. Algorithms developed to predict the effect of missense changes on protein structure and function (SIFT, PolyPhen-2, Align-GVGD) all suggest that this variant is likely to be tolerated. ClinVar contains an entry for this variant (Variation ID: 949846). This variant has not been reported in the literature in individuals affected with TMEM237-related conditions. This variant is not present in population databases (gnomAD no frequency). This sequence change replaces glutamic acid, which is acidic and polar, with lysine, which is basic and polar, at codon 11 of the TMEM237 protein (p.Glu11Lys).

NM_001044385.3(TMEM237):c.31G>A (p.Glu11Lys)

Genes: TMEM237 (transmembrane protein 237; minus strand), LOC129935417 (ATAC-STARR-seq lymphoblastoid silent region 12235; plus strand). Cytogenetic location: 2q33.1.
Variant type: single nucleotide variant.
Coding change: c.31G>A on transcript NM_001044385.3 (MANE Select); coding-DNA position 31, G replaced by A.
Protein change: p.Glu11Lys; replaces glutamic acid 11 with lysine.
Molecular consequence: missense variant.
Genome position (GRCh38, 1-based): chr2:201,643,370, C>T on the plus strand (G>A on the coding strand, the complement: TMEM237 is on the minus strand). VCF-style: chr2-201643370-C-T. GRCh37 (hg19) VCF-style: chr2-202508093-C-T.
Other names: short protein forms E11K.
Identifiers: ClinVar variation 949846 (VCV000949846.8), dbSNP rs1319201699, ClinGen allele CA350317724.
Genomic context (GRCh38, chr2:201,643,370, plus strand): 5'-AGCTGTTTACCCGCCACCTCTCGAGGCCGACGCGCCCCTCGCCGCTCACCAGGTGGCCCT[C>T]CTCCAGCCGAGCCCCCGAGTCAGTCCTCATGGTGCTCTCCCCGCGGGGCTGCCCCGGCGC-3'
Protein context (NP_001037850.1, residues 1-21): MRTDSGARLE[Glu11Lys]GHLRPPRALP